The following is an entry in ClinVar:

NM_001321759.2(CDIN1):c.217C>G (p.Leu73Val)

Gene: CDIN1 (CDAN1 interacting nuclease 1; plus strand). Cytogenetic location: 15q14.
Variant type: single nucleotide variant.
Coding change: c.217C>G on transcript NM_001321759.2 (MANE Select); coding-DNA position 217, C replaced by G.
Protein change: p.Leu73Val; replaces leucine 73 with valine.
Molecular consequence: missense variant. On other transcripts: 5 prime UTR variant (4).
Genome position (GRCh38, 1-based): chr15:36,654,102, C>G. VCF-style: chr15-36654102-C-G. GRCh37 (hg19) VCF-style: chr15-36946303-C-G.
Other names: c.217C>G, p.Leu73Val (NM_001130010.3, NM_001290233.2, NM_001321760.2 and 1 more transcripts); c.-78C>G (NM_001290232.2, NM_001321756.2, NM_032499.6); c.-187C>G (NM_001321757.2); c.106C>G, p.Leu36Val (NM_001321758.2); short protein forms L73V, L36V.
Identifiers: ClinVar variation 257532 (VCV000257532.16), dbSNP rs3784678, ClinGen allele CA7468768.

ClinVar aggregate classification (germline): Benign/Likely benign. Review status: criteria provided, multiple submitters, no conflicts (2 of 4 stars). 6 submissions from 6 submitters: Benign (5); Likely benign (1). Last evaluated 2026-02-04.

Conditions:
Congenital dyserythropoietic anemia type type 1B (CDAN1B). Also called: ANEMIA, CONGENITAL DYSERYTHROPOIETIC, TYPE Ib; CDA, TYPE Ib; C15ORF41-Related Congenital Dyserythropoietic Anemia. Identifiers: Orphanet 98869, MedGen C3810185, MONDO:0014285, OMIM 615631.

Allele frequency attached by ClinVar (database versions not stated): TOPMed 0.43396; gnomAD 0.43599 and 0.44308; ESP Exome Variant Server 0.43983; gnomAD exomes 0.46211; 1000 Genomes Project 30x 0.48829; 1000 Genomes Project 0.49700; ExAC 0.53516.
gnomAD v4.1: 742,330 of 1,573,246 alleles (47%); highest among the groups gnomAD compares: East Asian, 67%; 177,965 homozygotes.

Submissions (6):

Labcorp Genetics (formerly Invitae), Labcorp
Classification: Benign. Last evaluated: 2026-02-04. Review status: criteria provided, single submitter. Criteria: Invitae Variant Classification Sherloc (09022015). Collection method: clinical testing. Allele origin: germline.

Blueprint Genetics
Classification: Likely benign. Last evaluated: 2024-11-27. Review status: criteria provided, single submitter. Criteria: ACMG Guidelines, 2015. Collection method: clinical testing. Allele origin: germline.

Genome-Nilou Lab
Classification: Benign for Congenital dyserythropoietic anemia type type 1B. Last evaluated: 2021-07-14. Review status: criteria provided, single submitter. Criteria: ACMG Guidelines, 2015. Collection method: clinical testing. Allele origin: germline. Affected: no.

GeneDx
Classification: Benign. Last evaluated: 2021-06-09. Review status: criteria provided, single submitter. Criteria: GeneDx Variant Classification Process June 2021. Collection method: clinical testing. Allele origin: germline. Affected: yes.
Comment: This variant is associated with the following publications: (PMID: 29031773)

Breakthrough Genomics
Classification: Benign. Review status: criteria provided, single submitter. Criteria: ACMG Guidelines, 2015. Collection method: not provided. Allele origin: germline. Inheritance: Autosomal recessive inheritance. Affected: yes.

PreventionGenetics, part of Exact Sciences
Classification: Benign. Review status: criteria provided, single submitter. Criteria: ACMG Guidelines, 2015. Collection method: clinical testing. Allele origin: germline.